The following is an entry in ClinVar:

ClinVar aggregate classification (germline): Uncertain significance. Review status: criteria provided, multiple submitters, no conflicts (2 of 4 stars). 2 submissions from 2 submitters: Uncertain significance (2). Last evaluated 2024-08-20.

Conditions:
Inborn genetic diseases. Identifiers: MedGen C0950123, MeSH D030342.
Jeune thoracic dystrophy. Also called: Short-rib thoracic dysplasia; Jeune syndrome; Infantile thoracic dystrophy; Thoracic pelvic phalangeal dystrophy; Jeune's syndrome; Chondroectodermal dysplasia-like syndrome. Identifiers: Orphanet 474, MedGen C0265275, MONDO:0018770.

Allele frequency attached by ClinVar (database versions not stated): gnomAD 0.00001; gnomAD exomes 0.00001 and 0.00002; ExAC 0.00002; TOPMed 0.00002.
gnomAD v4.1: 16 of 1,613,260 alleles (0.00099%); highest among the groups gnomAD compares: Admixed American, 0.0033%; no homozygotes.

Submissions (2):

Ambry Genetics
Classification: Uncertain significance for Inborn genetic diseases. Last evaluated: 2024-08-20. Review status: criteria provided, single submitter. Criteria: Ambry Variant Classification Scheme 2023. Collection method: clinical testing. Allele origin: germline.

Labcorp Genetics (formerly Invitae), Labcorp
Classification: Uncertain significance for Jeune thoracic dystrophy. Last evaluated: 2021-08-18. Review status: criteria provided, single submitter. Criteria: Invitae Variant Classification Sherloc (09022015). Collection method: clinical testing. Allele origin: germline.
Comment: This sequence change replaces isoleucine with valine at codon 3393 of the DYNC2H1 protein (p.Ile3393Val). The isoleucine residue is highly conserved and there is a small physicochemical difference between isoleucine and valine. This variant is present in population databases (rs765753338, ExAC 0.004%). This variant has not been reported in the literature in individuals affected with DYNC2H1-related conditions. Advanced modeling of protein sequence and biophysical properties (such as structural, functional, and spatial information, amino acid conservation, physicochemical variation, residue mobility, and thermodynamic stability) performed at Invitae indicates that this missense variant is not expected to disrupt DYNC2H1 protein function. In summary, the available evidence is currently insufficient to determine the role of this variant in disease. Therefore, it has been classified as a Variant of Uncertain Significance.

NM_001377.3(DYNC2H1):c.10156A>G (p.Ile3386Val)

Gene: DYNC2H1 (dynein cytoplasmic 2 heavy chain 1; plus strand). Cytogenetic location: 11q22.3.
Variant type: single nucleotide variant.
Coding change: c.10156A>G on transcript NM_001377.3 (MANE Select); coding-DNA position 10156, A replaced by G.
Protein change: p.Ile3386Val; replaces isoleucine 3386 with valine.
Molecular consequence: missense variant.
Genome position (GRCh38, 1-based): chr11:103,253,398, A>G. VCF-style: chr11-103253398-A-G. GRCh37 (hg19) VCF-style: chr11-103124127-A-G.
Other names: c.10177A>G, p.Ile3393Val (NM_001080463.2); c.10177A>G (NM_001080463.1); short protein forms I3386V, I3393V.
Identifiers: ClinVar variation 1381896 (VCV001381896.4), dbSNP rs765753338, ClinGen allele CA6254897.